The following is an entry in ClinVar:

ClinVar aggregate classification (germline): Likely pathogenic. Review status: criteria provided, single submitter (1 of 4 stars). 2 submissions from 2 submitters: Likely pathogenic (1). 1 of the submissions does not count toward it. Last evaluated 2021-12-29.

Conditions:
Polycystic kidney disease 4 (PKD4). Also called: PKD3; Autosomal Recessive Polycystic Kidney Disease – PKHD1; POLYCYSTIC KIDNEY AND HEPATIC DISEASE 1; POLYCYSTIC KIDNEY DISEASE, INFANTILE, TYPE I; POLYCYSTIC KIDNEY DISEASE 4 WITH OR WITHOUT POLYCYSTIC LIVER DISEASE. Identifiers: MedGen C4540575, MONDO:0033004, OMIM 263200.
Autosomal recessive polycystic kidney disease (ARPKD). Also called: AR polycystic kidney disease. Identifiers: Orphanet 731, Orphanet 8378, MedGen C0085548, MeSH D017044, MONDO:0009889.

Submissions (2):

Myriad Genetics, Inc.
Classification: Likely pathogenic for Polycystic kidney disease 4. Last evaluated: 2021-12-29. Review status: criteria provided, single submitter. Criteria: Myriad Women's Health Autosomal Recessive and X-Linked Classification Criteria (2021). Collection method: clinical testing. Allele origin: unknown.
Comment: NM_138694.3(PKHD1):c.2172delA(G726Afs*51) is expected to be pathogenic in the context of autosomal recessive polycystic kidney disease, PKHD1-related. This variant is predicted to lead to an abnormal or absent protein product due to the creation of a premature termination codon in PKHD1, a gene where loss-of-function variants are known to be pathogenic. Please note: this variant was assessed in the context of healthy population screening.

Sydney Genome Diagnostics, Children's Hospital Westmead
Classification: Likely pathogenic for Autosomal recessive polycystic kidney disease. Last evaluated: 2018-04-17. Review status: no assertion criteria provided. Collection method: clinical testing. Allele origin: unknown. Affected: yes. Observed: 1 variant allele, 1 compound heterozygote. Not counted in ClinVar's aggregate classification.
Comment: The phase (cis or trans) of these variants is unknown. c.2172del (p.Gly726Alafs*51) has not been listed in any population databases (i.e. ExAC, ESP or dbSNP). This frameshifting variant is predicted to create a premature stop codon (p.Gly726Alafs*51) and may result in a null allele due to nonsense-mediated mRNA decay. To our knowledge, this variant has not been previously reported in the literature or any variant databases associated with disease. However, other truncating mutations downstream of this amino acid have been described in patients with polycystic kidney disease (Bergmann et al 2005 Hum Mutat 25:225-231). This variant is considered to be likely pathogenic according to the ACMG guidelines.

NM_138694.4(PKHD1):c.2172del (p.Gly726fs)

Gene: PKHD1 (PKHD1 ciliary IPT domain containing fibrocystin/polyductin; minus strand). Cytogenetic location: 6p12.2.
Variant type: Deletion.
Coding change: c.2172del on transcript NM_138694.4 (MANE Select); coding-DNA position 2172, one base deleted (A; older notation c.2172delA).
Protein change: p.Gly726fs; shifts the reading frame from glycine 726.
Molecular consequence: frameshift variant.
Genome position (GRCh38, 1-based): chr6:52,050,264, T deleted on the plus strand (A on the coding strand, the reverse complement: PKHD1 is on the minus strand). VCF-style (leftmost placement, unchanged base first): chr6-52050263-CT-C. GRCh37 (hg19) VCF-style: chr6-51915061-CT-C.
Other names: c.2172del, p.Gly726fs (NM_170724.3); short protein forms G726fs.
Identifiers: ClinVar variation 988200 (VCV000988200.3), dbSNP rs1806601043, ClinGen allele CA1628638964.